The following is an entry in ClinVar:

NM_001267550.2(TTN):c.23214T>C (p.Asp7738=)

Gene: TTN (titin; minus strand). Cytogenetic location: 2q31.2.
Variant type: single nucleotide variant.
Coding change: c.23214T>C on transcript NM_001267550.2 (MANE Select); coding-DNA position 23214, T replaced by C.
Protein change: p.Asp7738=; no amino-acid change (aspartic acid 7738 retained).
Molecular consequence: synonymous variant. On other transcripts: intron variant (3).
Genome position (GRCh38, 1-based): chr2:178,720,548, A>G on the plus strand (T>C on the coding strand, the complement: TTN is on the minus strand). VCF-style: chr2-178720548-A-G. GRCh37 (hg19) VCF-style: chr2-179585275-A-G.
Other names: c.19482T>C, p.Asp6494= (NM_133378.4); c.22263T>C, p.Asp7421= (NM_001256850.1); c.13282+17534T>C (NM_003319.4); c.13858+17534T>C (NM_133437.4); c.13657+17534T>C (NM_133432.3).
Identifiers: ClinVar variation 166161 (VCV000166161.14), dbSNP rs727503648, ClinGen allele CA178968.

ClinVar aggregate classification (germline): Likely benign. Review status: criteria provided, multiple submitters, no conflicts (2 of 4 stars). 3 submissions from 3 submitters: Likely benign (3). Last evaluated 2021-11-26.

Conditions:
Autosomal recessive limb-girdle muscular dystrophy type 2J (LGMDR10). Also called: Limb-girdle muscular dystrophy, type 2J; MUSCULAR DYSTROPHY, LIMB-GIRDLE, AUTOSOMAL RECESSIVE 10. Identifiers: Orphanet 140922, MedGen C1837342, MONDO:0012127, OMIM 608807.
Dilated cardiomyopathy 1G (CMD1G). Identifiers: Orphanet 154, MedGen C1858763, MONDO:0011400, OMIM 604145.

Allele frequency attached by ClinVar (database versions not stated): gnomAD exomes below 0.00001.
gnomAD v4.1: 1 of 1,613,452 alleles (0.000062%); highest among the groups gnomAD compares: Non-Finnish European, 0.000085%; no homozygotes.

Submissions (3):

Labcorp Genetics (formerly Invitae), Labcorp
Classification: Likely benign for Dilated cardiomyopathy 1G; Autosomal recessive limb-girdle muscular dystrophy type 2J. Last evaluated: 2021-11-26. Review status: criteria provided, single submitter. Criteria: Invitae Variant Classification Sherloc (09022015). Collection method: clinical testing. Allele origin: germline.

Blueprint Genetics
Classification: Likely benign. Last evaluated: 2020-01-02. Review status: criteria provided, single submitter. Criteria: ACMG Guidelines, 2015. Collection method: clinical testing. Allele origin: germline.

Laboratory for Molecular Medicine, Mass General Brigham Personalized Medicine
Classification: Likely benign. Last evaluated: 2013-08-23. Review status: criteria provided, single submitter. Criteria: LMM Criteria. Collection method: clinical testing. Allele origin: germline. Observed: 1 variant allele.
Comment: Asp6494Asp in exon 77 of TTN: This variant is not expected to have clinical sign ificance because it does not alter an amino acid residue and is not located with in the splice consensus sequence.